The following is an entry in ClinVar:

NM_001267550.2(TTN):c.107409A>G (p.Val35803=)

Genes: TTN (titin; minus strand), TTN-AS1 (TTN antisense RNA 1; plus strand). Cytogenetic location: 2q31.2.
Variant type: single nucleotide variant.
Coding change: c.107409A>G on transcript NM_001267550.2 (MANE Select); coding-DNA position 107409, A replaced by G.
Protein change: p.Val35803=; no amino-acid change (valine 35803 retained).
Molecular consequence: synonymous variant.
Genome position (GRCh38, 1-based): chr2:178,527,717, T>C on the plus strand (A>G on the coding strand, the complement: TTN is on the minus strand). VCF-style: chr2-178527717-T-C. GRCh37 (hg19) VCF-style: chr2-179392444-T-C.
Other names: c.102486A>G, p.Val34162= (NM_001256850.1); c.80214A>G, p.Val26738= (NM_003319.4); c.99705A>G, p.Val33235= (NM_133378.4); c.80589A>G, p.Val26863= (NM_133432.3); c.80790A>G, p.Val26930= (NM_133437.4).
Identifiers: ClinVar variation 1159388 (VCV001159388.31), dbSNP rs1687042089, ClinGen allele CA430092433.

ClinVar aggregate classification (germline): Likely benign. Review status: criteria provided, multiple submitters, no conflicts (2 of 4 stars). 2 submissions from 2 submitters: Likely benign (2). Last evaluated 2024-01-01.

Conditions:
Dilated cardiomyopathy 1G (CMD1G). Identifiers: Orphanet 154, MedGen C1858763, MONDO:0011400, OMIM 604145.
Autosomal recessive limb-girdle muscular dystrophy type 2J (LGMDR10). Also called: MUSCULAR DYSTROPHY, LIMB-GIRDLE, AUTOSOMAL RECESSIVE 10; Limb-girdle muscular dystrophy, type 2J. Identifiers: Orphanet 140922, MedGen C1837342, MONDO:0012127, OMIM 608807.

Allele frequency attached by ClinVar (database versions not stated): gnomAD exomes below 0.00001.
gnomAD v4.1: 2 of 1,608,942 alleles (0.00012%); highest among the groups gnomAD compares: Middle Eastern, 0.017%; no homozygotes.

Submissions (2):

CeGaT Center for Human Genetics Tuebingen
Classification: Likely benign. Last evaluated: 2024-01-01. Review status: criteria provided, single submitter. Criteria: CeGaT Center For Human Genetics Tuebingen Variant Classification Criteria Version 2. Collection method: clinical testing. Allele origin: germline. Affected: yes. Observed: 1 variant allele.
Comment: TTN: PM2:Supporting, BP4, BP7

Labcorp Genetics (formerly Invitae), Labcorp
Classification: Likely benign for Dilated cardiomyopathy 1G; Autosomal recessive limb-girdle muscular dystrophy type 2J. Last evaluated: 2022-07-05. Review status: criteria provided, single submitter. Criteria: Invitae Variant Classification Sherloc (09022015). Collection method: clinical testing. Allele origin: germline.